The following is an entry in ClinVar:

ClinVar aggregate classification (germline): Uncertain significance. Review status: criteria provided, multiple submitters, no conflicts (2 of 4 stars). 7 submissions from 7 submitters: Uncertain significance (7). Last evaluated 2026-01-04.

Conditions:
Hereditary cancer-predisposing syndrome. Also called: Hereditary Cancer Syndrome; Hereditary neoplastic syndrome; Tumor predisposition; Neoplastic Syndromes, Hereditary. Identifiers: Orphanet 140162, MedGen C0027672, MeSH D009386, MONDO:0015356.
Melanoma, cutaneous malignant, susceptibility to, 1 (CMM1). Also called: B-K MOLE SYNDROME; MELANOMA, MALIGNANT; DYSPLASTIC NEVUS SYNDROME, HEREDITARY; FAMILIAL ATYPICAL MOLE-MALIGNANT MELANOMA SYNDROME. Identifiers: Orphanet 618, MedGen C1835047, MONDO:0007963, OMIM 155600.
Peutz-Jeghers syndrome (PJS). Also called: POLYPOSIS, HAMARTOMATOUS INTESTINAL; POLYPS-AND-SPOTS SYNDROME; Peutz-Jeghers polyposis; Periorificial lentiginosis syndrome. Identifiers: Orphanet 2869, MedGen C0031269, MeSH D010580, MONDO:0008280, OMIM 175200.

Allele frequency attached by ClinVar (database versions not stated): TOPMed 0.00001.
gnomAD v4.1: 5 of 1,548,540 alleles (0.00032%); highest among the groups gnomAD compares: Non-Finnish European, 0.00044%; no homozygotes.

Submissions (7):

Labcorp Genetics (formerly Invitae), Labcorp
Classification: Uncertain significance for Peutz-Jeghers syndrome. Last evaluated: 2026-01-04. Review status: criteria provided, single submitter. Criteria: Invitae Variant Classification Sherloc (09022015). Collection method: clinical testing. Allele origin: germline.
Comment: This sequence change replaces arginine, which is basic and polar, with cysteine, which is neutral and slightly polar, at codon 425 of the STK11 protein (p.Arg425Cys). This variant is not present in population databases (gnomAD no frequency). This variant has not been reported in the literature in individuals affected with STK11-related conditions. ClinVar contains an entry for this variant (Variation ID: 458032). Invitae Evidence Modeling of protein sequence and biophysical properties (such as structural, functional, and spatial information, amino acid conservation, physicochemical variation, residue mobility, and thermodynamic stability) indicates that this missense variant is not expected to disrupt STK11 protein function with a negative predictive value of 95%. In summary, the available evidence is currently insufficient to determine the role of this variant in disease. Therefore, it has been classified as a Variant of Uncertain Significance.

Ambry Genetics
Classification: Uncertain significance for Hereditary cancer-predisposing syndrome. Last evaluated: 2024-03-10. Review status: criteria provided, single submitter. Criteria: Ambry Variant Classification Scheme 2023. Collection method: clinical testing. Allele origin: germline.
Comment: The p.R425C variant (also known as c.1273C>T), located in coding exon 9 of the STK11 gene, results from a C to T substitution at nucleotide position 1273. The arginine at codon 425 is replaced by cysteine, an amino acid with highly dissimilar properties. This amino acid position is highly conserved in available vertebrate species. In addition, the in silico prediction for this alteration is inconclusive. Since supporting evidence is limited at this time, the clinical significance of this alteration remains unclear.

Color Diagnostics, LLC DBA Color Health
Classification: Uncertain significance for Hereditary cancer-predisposing syndrome. Last evaluated: 2024-03-06. Review status: criteria provided, single submitter. Criteria: ACMG Guidelines, 2015. Collection method: clinical testing. Allele origin: germline.
Comment: This missense variant replaces arginine with cystine at codon 425 in the STK11 protein. Computational prediction suggests that this variant may not impact protein structure and function (internally defined REVEL score threshold <= 0.5, PMID: 27666373). To our knowledge, functional studies have not been reported for this variant. This variant has not been reported in individuals affected with STK11-related disorders in the literature. This variant has not been identified in the general population by the Genome Aggregation Database (gnomAD). The available evidence is insufficient to determine the role of this variant in disease conclusively. Therefore, this variant is classified as a Variant of Uncertain Significance.

All of Us Research Program, National Institutes of Health
Classification: Uncertain significance for Peutz-Jeghers syndrome. Last evaluated: 2023-10-23. Review status: criteria provided, single submitter. Criteria: ACMG Guidelines, 2015. Collection method: clinical testing. Allele origin: germline. Inheritance: Autosomal dominant inheritance. Observed: 1 variant allele, 1 heterozygote.
Comment: This missense variant replaces arginine with cystine at codon 425 in the STK11 protein. Computational prediction suggests that this variant may not impact protein structure and function (internally defined REVEL score threshold <= 0.5, PMID: 27666373). To our knowledge, functional studies have not been reported for this variant. This variant has not been reported in individuals affected with STK11-related disorders in the literature. This variant has not been identified in the general population by the Genome Aggregation Database (gnomAD). The available evidence is insufficient to determine the role of this variant in disease conclusively. Therefore, this variant is classified as a Variant of Uncertain Significance.

This study involves interpretation of variants in research participants for the purpose of population health screening. Participant phenotype was not available at the time of variant classification. Additional details can be found in publication PMID: 35346344, PMCID: PMC8962531

Baylor Genetics
Classification: Uncertain significance for Melanoma, cutaneous malignant, susceptibility to, 1. Last evaluated: 2023-09-13. Review status: criteria provided, single submitter. Criteria: ACMG Guidelines, 2015. Collection method: clinical testing. Allele origin: unknown.

Sema4
Classification: Uncertain significance for Hereditary cancer-predisposing syndrome. Last evaluated: 2021-12-23. Review status: criteria provided, single submitter. Criteria: Sema4 Curation Guidelines. Collection method: curation. Allele origin: germline.
Comment: The STK11 c.1273C>T (p.R425C) variant has not been reported in the literature to our knowledge. It was not observed in the large and broad cohorts of the Genome Aggregation Database (PMID: 32461654). This variant has been reported in ClinVar (Variation ID 458032). Functional studies have not been performed, and in silico predictions of the variant's effect on protein function are inconclusive. The evidence is insufficient to meet ACMG/AMP criteria for classifying the variant as benign or pathogenic. Thus, the clinical significance of this variant is currently uncertain.

Genome-Nilou Lab
Classification: Uncertain significance for Peutz-Jeghers syndrome. Last evaluated: 2021-07-15. Review status: criteria provided, single submitter. Criteria: ACMG Guidelines, 2015. Collection method: clinical testing. Allele origin: germline. Affected: no.

NM_000455.5(STK11):c.1273C>T (p.Arg425Cys)

Gene: STK11 (serine/threonine kinase 11; plus strand). Cytogenetic location: 19p13.3.
Variant type: single nucleotide variant.
Coding change: c.1273C>T on transcript NM_000455.5 (MANE Select); coding-DNA position 1273, C replaced by T.
Protein change: p.Arg425Cys; replaces arginine 425 with cysteine.
Molecular consequence: missense variant.
Genome position (GRCh38, 1-based): chr19:1,226,618, C>T. VCF-style: chr19-1226618-C-T. GRCh37 (hg19) VCF-style: chr19-1226617-C-T.
Other names: short protein forms R425C.
Identifiers: ClinVar variation 458032 (VCV000458032.23), dbSNP rs754853898, ClinGen allele CA402954180.